The following is an entry in ClinVar:

NM_006269.2(RP1):c.5053C>T (p.Gln1685Ter)

Genes: RP1 (RP1 axonemal microtubule associated; plus strand), LOC126860392 (CDK7 strongly-dependent group 2 enhancer GRCh37_chr8:55541319-55542518; plus strand). Cytogenetic location: 8q12.1.
Variant type: single nucleotide variant.
Coding change: c.5053C>T on transcript NM_006269.2 (MANE Select); coding-DNA position 5053, C replaced by T.
Protein change: p.Gln1685Ter; replaces glutamine 1685 with a stop codon.
Molecular consequence: nonsense. On other transcripts: intron variant (1).
Genome position (GRCh38, 1-based): chr8:54,628,935, C>T. VCF-style: chr8-54628935-C-T. GRCh37 (hg19) VCF-style: chr8-55541495-C-T.
Other names: c.787+6647C>T (NM_001375654.1); short protein forms Q1685*.
Identifiers: ClinVar variation 1367010 (VCV001367010.6), dbSNP rs2129317972, ClinGen allele CA370984747.
Genomic context (GRCh38, chr8:54,628,935, plus strand): 5'-CAGTGTTCCAGGAAAGCAAGTCTTTATGATTCTGAAGGGCAGTCATTTGGCTCTTCTGAA[C>T]AGGTATCTAGTAGTTCATCTATGTTGCAGGAATTCCAGGAGGAAAGACAAGATAAGTGTG-3'

ClinVar aggregate classification (germline): Pathogenic (1 of 4 stars; one submission).

Submission:

Labcorp Genetics (formerly Invitae), Labcorp
Classification: Pathogenic. Last evaluated: 2023-11-27. Review status: criteria provided, single submitter. Criteria: Invitae Variant Classification Sherloc (09022015). Collection method: clinical testing. Allele origin: germline.
Comment: This sequence change creates a premature translational stop signal (p.Gln1685*) in the RP1 gene. While this is not anticipated to result in nonsense mediated decay, it is expected to disrupt the last 472 amino acid(s) of the RP1 protein. This variant is not present in population databases (gnomAD no frequency). This premature translational stop signal has been observed in individual(s) with recessive retinitis pigmentosa (Invitae). In at least one individual the data is consistent with being in trans (on the opposite chromosome) from a pathogenic variant. ClinVar contains an entry for this variant (Variation ID: 1367010). This variant disrupts the C-terminus of the RP1 protein. Many variants that disrupt this region have been reported in individuals with either autosomal dominant or autosomal recessive retinitis pigmentosa (PMID: 11527933, 19933189, 29425069, 30027431, 33681214). Therefore, variants that disrupt this region are expected to be disease-causing. For these reasons, this variant has been classified as Pathogenic.

Literature cited by the submitters: PubMed 11527933; PubMed 19933189; PubMed 29425069; PubMed 30027431; PubMed 33681214.